The following is an entry in ClinVar:

NM_002474.3(MYH11):c.4184A>G (p.Lys1395Arg)

Genes: MYH11 (myosin heavy chain 11; minus strand), NDE1 (nudE neurodevelopment protein 1; plus strand). Cytogenetic location: 16p13.11.
Variant type: single nucleotide variant.
Coding change: c.4184A>G on transcript NM_002474.3 (MANE Select); coding-DNA position 4184, A replaced by G.
Protein change: p.Lys1395Arg; replaces lysine 1395 with arginine.
Molecular consequence: missense variant. On other transcripts: 3 prime UTR variant (2).
Genome position (GRCh38, 1-based): chr16:15,724,342, T>C on the plus strand (A>G on the coding strand, the complement: MYH11 is on the minus strand). VCF-style: chr16-15724342-T-C. GRCh37 (hg19) VCF-style: chr16-15818199-T-C.
Other names: c.4205A>G, p.Lys1402Arg (NM_001040113.2, NM_001040114.2); c.4184A>G, p.Lys1395Arg (NM_022844.3); c.*91T>C (NM_001143979.2, NM_017668.3); short protein forms K1395R, K1402R.
Identifiers: ClinVar variation 921441 (VCV000921441.9), dbSNP rs1468559687, ClinGen allele CA394857408.

ClinVar aggregate classification (germline): Uncertain significance. Review status: criteria provided, multiple submitters, no conflicts (2 of 4 stars). 3 submissions from 3 submitters: Uncertain significance (3). Last evaluated 2024-03-06.

Conditions:
Familial thoracic aortic aneurysm and aortic dissection (TAAD). Also called: Thoracic aortic aneurysms and dissections. Identifiers: Orphanet 91387, MedGen C4707243, MONDO:0019625.
Aortic aneurysm, familial thoracic 4 (AAT4). Also called: AORTIC ANEURYSM/AORTIC DISSECTION AND PATENT DUCTUS ARTERIOSUS. Identifiers: MedGen C1851504, MONDO:0007568, OMIM 132900.

Allele frequency attached by ClinVar (database versions not stated): gnomAD exomes below 0.00001.
gnomAD v4.1: 5 of 1,614,176 alleles (0.00031%); highest among the groups gnomAD compares: South Asian, 0.0033%; no homozygotes.

Submissions (3):

Color Diagnostics, LLC DBA Color Health
Classification: Uncertain significance for Familial thoracic aortic aneurysm and aortic dissection. Last evaluated: 2024-03-06. Review status: criteria provided, single submitter. Criteria: ACMG Guidelines, 2015. Collection method: clinical testing. Allele origin: germline.
Comment: This missense variant replaces lysine with arginine at codon 1402 of the MYH11 protein. Computational prediction suggests that this variant may not impact protein structure and function (internally defined REVEL score threshold <= 0.5, PMID: 27666373). To our knowledge, functional studies have not been reported for this variant. This variant has not been reported in individuals affected with MYH11-related disorders in the literature. This variant has been identified in 1/251426 chromosomes in the general population by the Genome Aggregation Database (gnomAD). The available evidence is insufficient to determine the role of this variant in disease conclusively. Therefore, this variant is classified as a Variant of Uncertain Significance.

All of Us Research Program, National Institutes of Health
Classification: Uncertain significance for Familial thoracic aortic aneurysm and aortic dissection. Last evaluated: 2023-10-06. Review status: criteria provided, single submitter. Criteria: ACMG Guidelines, 2015. Collection method: clinical testing. Allele origin: germline. Inheritance: Autosomal dominant inheritance. Observed: 1 variant allele, 1 heterozygote.
Comment: This missense variant replaces lysine with arginine at codon 1402 of the MYH11 protein. Computational prediction suggests that this variant may not impact protein structure and function (internally defined REVEL score threshold <= 0.5, PMID: 27666373). To our knowledge, functional studies have not been reported for this variant. This variant has not been reported in individuals affected with cardiovascular disorders in the literature. This variant has been identified in 1/251426 chromosomes in the general population by the Genome Aggregation Database (gnomAD). The available evidence is insufficient to determine the role of this variant in disease conclusively. Therefore, this variant is classified as a Variant of Uncertain Significance.

This study involves interpretation of variants in research participants for the purpose of population health screening. Participant phenotype was not available at the time of variant classification. Additional details can be found in publication PMID: 35346344, PMCID: PMC8962531

Labcorp Genetics (formerly Invitae), Labcorp
Classification: Uncertain significance for Aortic aneurysm, familial thoracic 4. Last evaluated: 2023-07-07. Review status: criteria provided, single submitter. Criteria: Invitae Variant Classification Sherloc (09022015). Collection method: clinical testing. Allele origin: germline.
Comment: This sequence change replaces lysine, which is basic and polar, with arginine, which is basic and polar, at codon 1402 of the MYH11 protein (p.Lys1402Arg). This variant is present in population databases (no rsID available, gnomAD 0.006%). This variant has not been reported in the literature in individuals affected with MYH11-related conditions. ClinVar contains an entry for this variant (Variation ID: 921441). Advanced modeling of protein sequence and biophysical properties (such as structural, functional, and spatial information, amino acid conservation, physicochemical variation, residue mobility, and thermodynamic stability) performed at Invitae indicates that this missense variant is not expected to disrupt MYH11 protein function. In summary, the available evidence is currently insufficient to determine the role of this variant in disease. Therefore, it has been classified as a Variant of Uncertain Significance.